The following is an entry in ClinVar:

ClinVar aggregate classification (germline): Uncertain significance. Review status: criteria provided, multiple submitters, no conflicts (2 of 4 stars). 3 submissions from 3 submitters: Uncertain significance (3). Last evaluated 2026-06-29.

Conditions:
Inborn genetic diseases. Identifiers: MedGen C0950123, MeSH D030342.
HOMER2-related disorder. Also called: HOMER2-related condition.

Allele frequency attached by ClinVar (database versions not stated): gnomAD exomes 0.00014 and 0.00029; TOPMed 0.00016; ESP Exome Variant Server 0.00024; ExAC 0.00014; gnomAD 0.00014.
gnomAD v4.1: 443 of 1,613,748 alleles (0.027%); highest among the groups gnomAD compares: Non-Finnish European, 0.035%; no homozygotes.

Submissions (3):

PreventionGenetics, part of Exact Sciences
Classification: Uncertain significance for HOMER2-related condition. Last evaluated: 2026-06-29. Review status: criteria provided, single submitter. Criteria: ACMG Guidelines, 2015. Collection method: clinical testing. Allele origin: germline.
Comment: The HOMER2 c.1004G>A variant is predicted to result in the amino acid substitution p.Gly335Glu. To our knowledge, this variant has not been reported in the literature. This variant is reported in 0.027% of alleles in individuals of European (Non-Finnish) descent in gnomAD. Although we suspect that this variant may be benign, at this time, the clinical significance of this variant is uncertain due to the absence of conclusive functional and genetic evidence.

Labcorp Genetics (formerly Invitae), Labcorp
Classification: Uncertain significance. Last evaluated: 2025-05-07. Review status: criteria provided, single submitter. Criteria: Invitae Variant Classification Sherloc (09022015). Collection method: clinical testing. Allele origin: germline.
Comment: This sequence change replaces glycine, which is neutral and non-polar, with glutamic acid, which is acidic and polar, at codon 335 of the HOMER2 protein (p.Gly335Glu). This variant is present in population databases (rs368481727, gnomAD 0.03%), and has an allele count higher than expected for a pathogenic variant. This variant has not been reported in the literature in individuals affected with HOMER2-related conditions. ClinVar contains an entry for this variant (Variation ID: 1420504). An algorithm developed to predict the effect of missense changes on protein structure and function (PolyPhen-2) suggests that this variant is likely to be disruptive. In summary, the available evidence is currently insufficient to determine the role of this variant in disease. Therefore, it has been classified as a Variant of Uncertain Significance.

Ambry Genetics
Classification: Uncertain significance for Inborn genetic diseases. Last evaluated: 2021-07-06. Review status: criteria provided, single submitter. Criteria: Ambry Variant Classification Scheme 2023. Collection method: clinical testing. Allele origin: germline.

NM_004839.4(HOMER2):c.1004G>A (p.Gly335Glu)

Gene: HOMER2 (homer scaffold protein 2; minus strand). Cytogenetic location: 15q25.2.
Variant type: single nucleotide variant.
Coding change: c.1004G>A on transcript NM_004839.4 (MANE Select); coding-DNA position 1004, G replaced by A.
Protein change: p.Gly335Glu; replaces glycine 335 with glutamic acid.
Molecular consequence: missense variant.
Genome position (GRCh38, 1-based): chr15:82,849,743, C>T on the plus strand (G>A on the coding strand, the complement: HOMER2 is on the minus strand). VCF-style: chr15-82849743-C-T. GRCh37 (hg19) VCF-style: chr15-83518495-C-T.
Other names: c.1037G>A (NM_199330.2); c.1037G>A, p.Gly346Glu (NM_199330.3); c.1004G>A (NM_004839.3); short protein forms G335E, G346E.
Identifiers: ClinVar variation 1420504 (VCV001420504.8), dbSNP rs368481727, ClinGen allele CA7701942.